The following is an entry in ClinVar:

NM_032242.4(PLXNA1):c.2847C>T (p.Arg949=)

Gene: PLXNA1 (plexin A1; plus strand). Cytogenetic location: 3q21.3.
Variant type: single nucleotide variant.
Coding change: c.2847C>T on transcript NM_032242.4 (MANE Select); coding-DNA position 2847, C replaced by T.
Protein change: p.Arg949=; no amino-acid change (arginine 949 retained).
Molecular consequence: synonymous variant.
Genome position (GRCh38, 1-based): chr3:127,014,801, C>T. VCF-style: chr3-127014801-C-T. GRCh37 (hg19) VCF-style: chr3-126733644-C-T.
Identifiers: ClinVar variation 3352593 (VCV003352593.1).

ClinVar aggregate classification (germline): Likely benign (0 of 4 stars; one submission).

Conditions:
PLXNA1-related disorder. Also called: PLXNA1-related condition.

gnomAD v4.1: 42 of 1,612,664 alleles (0.0026%); highest among the groups gnomAD compares: East Asian, 0.013%; no homozygotes.

Submission:

PreventionGenetics, part of Exact Sciences
Classification: Likely benign for PLXNA1-related condition. Last evaluated: 2024-05-31. Review status: no assertion criteria provided. Collection method: clinical testing. Allele origin: germline.
Comment: This variant is classified as likely benign based on ACMG/AMP sequence variant interpretation guidelines (Richards et al. 2015 PMID: 25741868, with internal and published modifications).